The following is an entry in ClinVar:

NM_015338.6(ASXL1):c.2093C>T (p.Pro698Leu)

Gene: ASXL1 (ASXL transcriptional regulator 1; plus strand). Cytogenetic location: 20q11.21.
Variant type: single nucleotide variant.
Coding change: c.2093C>T on transcript NM_015338.6 (MANE Select); coding-DNA position 2093, C replaced by T.
Protein change: p.Pro698Leu; replaces proline 698 with leucine.
Molecular consequence: missense variant.
Genome position (GRCh38, 1-based): chr20:32,434,805, C>T. VCF-style: chr20-32434805-C-T. GRCh37 (hg19) VCF-style: chr20-31022608-C-T.
Other names: c.1910C>T, p.Pro637Leu (NM_001363734.1); short protein forms P698L, P637L.
Identifiers: ClinVar variation 3957565 (VCV003957565.1).

ClinVar aggregate classification (germline): Uncertain significance (1 of 4 stars; one submission).

Conditions:
Inborn genetic diseases. Identifiers: MedGen C0950123, MeSH D030342.

gnomAD v4.1: 4 of 1,614,008 alleles (0.00025%); highest among the groups gnomAD compares: African/African-American, 0.0013%; no homozygotes.

Submission:

Ambry Genetics
Classification: Uncertain significance for Inborn genetic diseases. Last evaluated: 2025-06-02. Review status: criteria provided, single submitter. Criteria: Ambry Variant Classification Scheme 2023. Collection method: clinical testing. Allele origin: germline.
Comment: The p.P698L variant (also known as c.2093C>T), located in coding exon 13 of the ASXL1 gene, results from a C to T substitution at nucleotide position 2093. The proline at codon 698 is replaced by leucine, an amino acid with similar properties. This amino acid position is conserved. In addition, this alteration is predicted to be tolerated by in silico analysis. Based on the available evidence, the clinical significance of this variant remains unclear.